The following is an entry in ClinVar:

ClinVar aggregate classification (germline): Conflicting classifications of pathogenicity. Review status: criteria provided, conflicting classifications (1 of 4 stars). 5 submissions from 5 submitters: Uncertain significance (1); Likely benign (3). 1 of the submissions does not count toward it. Last evaluated 2026-01-12.

Conditions:
POLE-related disorder. Also called: POLE-related condition; POLE-related disorders.

Allele frequency attached by ClinVar (database versions not stated): gnomAD exomes 0.00001 and 0.00002; ExAC 0.00003; gnomAD 0.00006; ESP Exome Variant Server 0.00008; TOPMed 0.00010.
gnomAD v4.1: 42 of 1,613,826 alleles (0.0026%); highest among the groups gnomAD compares: Admixed American, 0.01%; no homozygotes.

Submissions (5):

Labcorp Genetics (formerly Invitae), Labcorp
Classification: Likely benign. Last evaluated: 2026-01-12. Review status: criteria provided, single submitter. Criteria: Invitae Variant Classification Sherloc (09022015). Collection method: clinical testing. Allele origin: germline.

Women's Health and Genetics/Laboratory Corporation of America, LabCorp
Classification: Likely benign. Last evaluated: 2025-04-28. Review status: criteria provided, single submitter. Criteria: LabCorp Variant Classification Summary - May 2015. Collection method: clinical testing. Allele origin: germline.

Blueprint Genetics
Classification: Likely benign. Last evaluated: 2024-07-30. Review status: criteria provided, single submitter. Criteria: ACMG Guidelines, 2015. Collection method: clinical testing. Allele origin: germline.

CeGaT Center for Human Genetics Tuebingen
Classification: Uncertain significance. Last evaluated: 2019-03-01. Review status: criteria provided, single submitter. Criteria: CeGaT Center For Human Genetics Tuebingen Variant Classification Criteria Version 2. Collection method: clinical testing. Allele origin: germline. Affected: yes. Observed: 1 variant allele.

PreventionGenetics, part of Exact Sciences
Classification: Likely benign for POLE-related condition. Last evaluated: 2022-05-17. Review status: no assertion criteria provided. Collection method: clinical testing. Allele origin: germline. Not counted in ClinVar's aggregate classification.
Comment: This variant is classified as likely benign based on ACMG/AMP sequence variant interpretation guidelines (Richards et al. 2015 PMID: 25741868, with internal and published modifications).

NM_006231.4(POLE):c.3459+8C>T

Gene: POLE (DNA polymerase epsilon, catalytic subunit; minus strand). Cytogenetic location: 12q24.33.
Variant type: single nucleotide variant.
Coding change: c.3459+8C>T on transcript NM_006231.4 (MANE Select); 8 bases into the intron after coding-DNA position 3459, C replaced by T.
Molecular consequence: intron variant.
Genome position (GRCh38, 1-based): chr12:132,657,341, G>A on the plus strand (C>T on the coding strand, the complement: POLE is on the minus strand). VCF-style: chr12-132657341-G-A. GRCh37 (hg19) VCF-style: chr12-133233927-G-A.
Identifiers: ClinVar variation 405781 (VCV000405781.53), dbSNP rs375852759, ClinGen allele CA6893229.